The following is an entry in ClinVar:

ClinVar aggregate classification (germline): Uncertain significance (1 of 4 stars; one submission).

Conditions:
Epidermolysis bullosa simplex with nail dystrophy (EBS5D). Identifiers: MedGen C4225309, MONDO:0014661, OMIM 616487.
Epidermolysis bullosa simplex 5C, with pyloric atresia (EBS5C). Also called: PLEC-Related Epidermolysis Bullosa with Pyloric Atresia; Epidermolysis bullosa simplex with pyloric atresia; PLEC1-Related Epidermolysis Bullosa with Pyloric Atresia. Identifiers: Orphanet 158684, MedGen C2677349, MONDO:0012807, OMIM 612138.
Autosomal recessive limb-girdle muscular dystrophy type 2Q (LGMDR17). Also called: MUSCULAR DYSTROPHY, LIMB-GIRDLE, AUTOSOMAL RECESSIVE 17. Identifiers: Orphanet 254361, MedGen C3150989, MONDO:0013390, OMIM 613723.
Epidermolysis bullosa simplex, Ogna type (EBS5A). Also called: Pidermolysis bullosa simplex 5A, Ogna type; EPIDERMOLYSIS BULLOSA SIMPLEX 5A, OGNA TYPE. Identifiers: Orphanet 79401, MedGen C0432317, MONDO:0007555, OMIM 131950.
Epidermolysis bullosa simplex 5B, with muscular dystrophy (EBS5B). Also called: EPIDERMOLYSIS BULLOSA SIMPLEX AND LIMB-GIRDLE MUSCULAR DYSTROPHY; Epidermolysis bullosa simplex with muscular dystrophy. Identifiers: Orphanet 257, MedGen C2931072, MONDO:0009181, OMIM 226670.

Allele frequency attached by ClinVar (database versions not stated): gnomAD exomes below 0.00001.
gnomAD v4.1: 1 of 1,610,372 alleles (0.000062%); highest among the groups gnomAD compares: Non-Finnish European, 0.000085%; no homozygotes.

Submission:

Labcorp Genetics (formerly Invitae), Labcorp
Classification: Uncertain significance for Autosomal recessive limb-girdle muscular dystrophy type 2Q; Epidermolysis bullosa simplex, Ogna type; Epidermolysis bullosa simplex with nail dystrophy; Epidermolysis bullosa simplex 5C, with pyloric atresia; Epidermolysis bullosa simplex 5B, with muscular dystrophy. Last evaluated: 2023-04-19. Review status: criteria provided, single submitter. Criteria: Invitae Variant Classification Sherloc (09022015). Collection method: clinical testing. Allele origin: germline.
Comment: In summary, the available evidence is currently insufficient to determine the role of this variant in disease. Therefore, it has been classified as a Variant of Uncertain Significance. An algorithm developed to predict the effect of missense changes on protein structure and function (PolyPhen-2) suggests that this variant is likely to be disruptive. This sequence change replaces aspartic acid, which is acidic and polar, with asparagine, which is neutral and polar, at codon 3106 of the PLEC protein (p.Asp3106Asn). This variant is not present in population databases (gnomAD no frequency). This variant has not been reported in the literature in individuals affected with PLEC-related conditions.

NM_201384.3(PLEC):c.9235G>A (p.Asp3079Asn)

Gene: PLEC (plectin; minus strand). Cytogenetic location: 8q24.3.
Variant type: single nucleotide variant.
Coding change: c.9235G>A on transcript NM_201384.3 (MANE Select); coding-DNA position 9235, G replaced by A.
Protein change: p.Asp3079Asn; replaces aspartic acid 3079 with asparagine.
Molecular consequence: missense variant.
Genome position (GRCh38, 1-based): chr8:143,920,586, C>T on the plus strand (G>A on the coding strand, the complement: PLEC is on the minus strand). VCF-style: chr8-143920586-C-T. GRCh37 (hg19) VCF-style: chr8-144994754-C-T.
Other names: c.9316G>A, p.Asp3106Asn (NM_000445.5); c.5935G>A, p.Asp1979Asn (NM_001410941.1); c.9193G>A, p.Asp3065Asn (NM_201378.4); c.9169G>A, p.Asp3057Asn (NM_201379.3); c.9646G>A, p.Asp3216Asn (NM_201380.4); c.9139G>A, p.Asp3047Asn (NM_201381.3); c.9235G>A, p.Asp3079Asn (NM_201382.4); c.9247G>A, p.Asp3083Asn (NM_201383.3); short protein forms D3065N, D3083N, D1979N, D3057N, D3047N, D3106N, D3079N, D3216N.
Identifiers: ClinVar variation 2935270 (VCV002935270.3), dbSNP rs1554682279, ClinGen allele CA372513186.
Genomic context (GRCh38, chr8:143,920,586, plus strand): 5'-CGGCTGATAGCAGCTTCTCATGAAACTCGGGGCCCACCAGGCCAGCACGCACTGCCTCGT[C>T]CACGGTCAGCCGGGCGCTGGTGGCGGGGTCGATGATGTGCCCGGTGCCGGCCTGGGCTTC-3'
Protein context (NP_958786.1, residues 3069-3089): DPATSARLTV[Asp3079Asn]EAVRAGLVGP